The following is an entry in ClinVar:

NM_198904.4(GABRG2):c.985G>T (p.Val329Phe)

Gene: GABRG2 (gamma-aminobutyric acid type A receptor subunit gamma2; plus strand). Cytogenetic location: 5q34.
Variant type: single nucleotide variant.
Coding change: c.985G>T on transcript NM_198904.4 (MANE Select); coding-DNA position 985, G replaced by T.
Protein change: p.Val329Phe; replaces valine 329 with phenylalanine.
Molecular consequence: missense variant. On other transcripts: intron variant (1).
Genome position (GRCh38, 1-based): chr5:162,149,170, G>T. VCF-style: chr5-162149170-G-T. GRCh37 (hg19) VCF-style: chr5-161576176-G-T.
Other names: p.V329F:GTC>TTC; c.985G>T, p.Val329Phe (NM_000816.3); c.976G>T, p.Val326Phe (NM_001375339.1); c.982G>T, p.Val328Phe (NM_001375341.1, NM_001375342.1); c.1105G>T, p.Val369Phe (NM_001375343.1, NM_198903.2); c.1024G>T, p.Val342Phe (NM_001375344.1); c.919G>T, p.Val307Phe (NM_001375345.1, NM_001375346.1); c.898G>T, p.Val300Phe (NM_001375347.1); and 3 more; short protein forms V329F, V369F, V307F, V326F, V328F, V342F, V189F, V234F.
Identifiers: ClinVar variation 205550 (VCV000205550.10), dbSNP rs768061156, ClinGen allele CA314735.
Genomic context (GRCh38, chr5:162,149,170, plus strand): 5'-ATCACCACTGTCCTGACAATGACCACCCTCAGCACCATTGCCCGGAAATCGCTCCCCAAG[G>T]TCTCCTATGTCACAGCGATGGATCTCTTTGTATCTGTTTGTTTCATCTTTGTCTTCTCTG-3'
Protein context (NP_944494.1, residues 319-339): STIARKSLPK[Val329Phe]SYVTAMDLFV

ClinVar aggregate classification (germline): Conflicting classifications of pathogenicity. Review status: criteria provided, conflicting classifications (1 of 4 stars). 2 submissions from 2 submitters: Likely pathogenic (1); Uncertain significance (1). Last evaluated 2025-07-13.

Conditions:
EPILEPSY, CHILDHOOD ABSENCE, SUSCEPTIBILITY TO, 2 (ECA2). Identifiers: Orphanet 64280, MedGen C1843244, OMIM 607681.
Febrile seizures, familial, 8 (FEB8). Also called: CONVULSIONS, FAMILIAL FEBRILE, 8. Identifiers: Orphanet 36387, MedGen C1969810, MONDO:0011891, OMIM 607681.

Allele frequency attached by ClinVar (database versions not stated): ExAC 0.00001; gnomAD 0.00001; gnomAD exomes 0.00001.
gnomAD v4.1: 3 of 1,613,802 alleles (0.00019%); highest among the groups gnomAD compares: Admixed American, 0.0017%; no homozygotes.

Submissions (2):

GeneDx
Classification: Likely pathogenic. Last evaluated: 2025-07-13. Review status: criteria provided, single submitter. Criteria: GeneDx Variant Classification Process June 2021. Collection method: clinical testing. Allele origin: germline. Affected: yes.
Comment: Observed in a patient with epilepsy (PMID: 29655203); In silico analysis supports that this missense variant has a deleterious effect on protein structure/function; This variant is associated with the following publications: (PMID: 29655203)

Labcorp Genetics (formerly Invitae), Labcorp
Classification: Uncertain significance for Febrile seizures, familial, 8; EPILEPSY, CHILDHOOD ABSENCE, SUSCEPTIBILITY TO, 2. Last evaluated: 2025-02-04. Review status: criteria provided, single submitter. Criteria: Invitae Variant Classification Sherloc (09022015). Collection method: clinical testing. Allele origin: germline.
Comment: This sequence change replaces valine, which is neutral and non-polar, with phenylalanine, which is neutral and non-polar, at codon 329 of the GABRG2 protein (p.Val329Phe). This variant is present in population databases (rs768061156, gnomAD 0.003%). This missense change has been observed in individual(s) with clinical features of GABRG2-related conditions (PMID: 29655203; internal data). ClinVar contains an entry for this variant (Variation ID: 205550). Invitae Evidence Modeling of protein sequence and biophysical properties (such as structural, functional, and spatial information, amino acid conservation, physicochemical variation, residue mobility, and thermodynamic stability) indicates that this missense variant is expected to disrupt GABRG2 protein function with a positive predictive value of 95%. In summary, the available evidence is currently insufficient to determine the role of this variant in disease. Therefore, it has been classified as a Variant of Uncertain Significance.

Literature cited by the submitters: PubMed 29655203 (cited by Labcorp Genetics (formerly Invitae), Labcorp).